The following is an entry in ClinVar:

ClinVar aggregate classification (germline): Likely benign (1 of 4 stars; one submission).

Allele frequency attached by ClinVar (database versions not stated): gnomAD exomes below 0.00001; TOPMed 0.00002; gnomAD 0.00005; ESP Exome Variant Server 0.00008.
gnomAD v4.1: 12 of 1,552,866 alleles (0.00077%); highest among the groups gnomAD compares: African/African-American, 0.0055%; no homozygotes.

Submission:

CeGaT Center for Human Genetics Tuebingen
Classification: Likely benign. Last evaluated: 2022-05-01. Review status: criteria provided, single submitter. Criteria: CeGaT Center For Human Genetics Tuebingen Variant Classification Criteria Version 2. Collection method: clinical testing. Allele origin: germline. Affected: yes. Observed: 1 variant allele.
Comment: COLGALT1: BP4, BP7

NM_024656.4(COLGALT1):c.303G>C (p.Leu101=)

Gene: COLGALT1 (collagen beta(1-O)galactosyltransferase 1; plus strand). Cytogenetic location: 19p13.11.
Variant type: single nucleotide variant.
Coding change: c.303G>C on transcript NM_024656.4 (MANE Select); coding-DNA position 303, G replaced by C.
Protein change: p.Leu101=; no amino-acid change (leucine 101 retained).
Molecular consequence: synonymous variant.
Genome position (GRCh38, 1-based): chr19:17,559,353, G>C. VCF-style: chr19-17559353-G-C. GRCh37 (hg19) VCF-style: chr19-17670162-G-C.
Identifiers: ClinVar variation 1694907 (VCV001694907.31), dbSNP rs372571154, ClinGen allele CA306085828.